The following is an entry in ClinVar:

NM_023110.3(FGFR1):c.449-9C>G

Gene: FGFR1 (fibroblast growth factor receptor 1; minus strand). Cytogenetic location: 8p11.23.
Variant type: single nucleotide variant.
Coding change: c.449-9C>G on transcript NM_023110.3 (MANE Select); 9 bases into the intron before coding-DNA position 449, C replaced by G.
Molecular consequence: intron variant.
Genome position (GRCh38, 1-based): chr8:38,428,102, G>C on the plus strand (C>G on the coding strand, the complement: FGFR1 is on the minus strand). VCF-style: chr8-38428102-G-C. GRCh37 (hg19) VCF-style: chr8-38285620-G-C.
Other names: c.176-9C>G (NM_001354368.2, NM_001354370.2, NM_023106.3); c.182-9C>G (NM_023105.3, NM_001174066.2); c.443-9C>G (NM_001354367.2, NM_015850.4, NM_001354369.2 and 1 more transcripts); c.449-9C>G (NM_001174063.2); c.425-9C>G (NM_001174064.2); c.542-9C>G (NM_001174067.2).
Identifiers: ClinVar variation 362904 (VCV000362904.30), dbSNP rs17182303, ClinGen allele CA4718722.

ClinVar aggregate classification (germline): Benign/Likely benign. Review status: criteria provided, multiple submitters, no conflicts (2 of 4 stars). 11 submissions from 8 submitters: Benign (5); Likely benign (3). 3 of the submissions do not count toward it. Last evaluated 2026-01-22.

Conditions:
Hypogonadotropic hypogonadism 2 with or without anosmia (HH2). Also called: HYPOGONADOTROPIC HYPOGONADISM 2 WITHOUT ANOSMIA; HYPOGONADOTROPIC HYPOGONADISM 2 WITH OR WITHOUT ANOSMIA, SUSCEPTIBILITY TO; HYPOGONADOTROPIC HYPOGONADISM 2 WITHOUT ANOSMIA, SUSCEPTIBILITY TO; FGFR1-Related GnRH Deficiency (Kallmann Syndrome 2). Identifiers: Orphanet 478, MedGen C1563720, MONDO:0007844, OMIM 147950. Disease mechanism: loss of function.
Pfeiffer syndrome (ACS5). Also called: ACS V. Identifiers: Orphanet 710, MedGen C0220658, MONDO:0007043, OMIM 101600.
Trigonocephaly 1 (TRIGNO1). Identifiers: Orphanet 3366, MedGen C0432122, MONDO:0008603, OMIM 190440.
Craniosynostosis syndrome. Also called: Craniosynostosis. Identifiers: Orphanet 1531, MedGen C0010278, MeSH D003398, MONDO:0015469, HP:0001363.
Osteoglophonic dysplasia (OGD). Also called: Osteoglophonic dwarfism. Identifiers: Orphanet 2645, MedGen C0432283, MONDO:0008150, OMIM 166250.

Allele frequency attached by ClinVar (database versions not stated): 1000 Genomes Project 30x 0.00016; 1000 Genomes Project 0.00020; gnomAD exomes 0.00087 and 0.00167; ExAC 0.00099; TOPMed 0.00106; gnomAD 0.00109 and 0.00115; ESP Exome Variant Server 0.00144.
gnomAD v4.1: 2,560 of 1,614,002 alleles (0.16%); highest among the groups gnomAD compares: Non-Finnish European, 0.21%; 1 homozygote.

Submissions (13):

Labcorp Genetics (formerly Invitae), Labcorp
Classification: Benign for Pfeiffer syndrome; Hypogonadotropic hypogonadism 2 with or without anosmia. Last evaluated: 2026-01-22. Review status: criteria provided, single submitter. Criteria: Invitae Variant Classification Sherloc (09022015). Collection method: clinical testing. Allele origin: germline.

Blueprint Genetics
Classification: Likely benign. Last evaluated: 2024-11-04. Review status: criteria provided, single submitter. Criteria: ACMG Guidelines, 2015. Collection method: clinical testing. Allele origin: germline.

ARUP Laboratories, Molecular Genetics and Genomics, ARUP Laboratories
Classification: Benign. Last evaluated: 2023-10-23. Review status: criteria provided, single submitter. Criteria: ARUP Molecular Germline Variant Investigation Process 2024. Collection method: clinical testing. Allele origin: germline.

GeneDx
Classification: Likely benign. Last evaluated: 2020-06-02. Review status: criteria provided, single submitter. Criteria: GeneDx Variant Classification Process June 2021. Collection method: clinical testing. Allele origin: germline. Affected: yes.
Comment: Has not been previously published as pathogenic or benign to our knowledge; In-silico analysis, which includes splice predictors and evolutionary conservation, is inconclusive as to whether the variant alters gene splicing. In the absence of RNA/functional studies, the actual effect of this sequence change is unknown.

Illumina Laboratory Services, Illumina
Classification: Benign for Osteoglophonic dysplasia. Last evaluated: 2018-01-12. Review status: criteria provided, single submitter. Criteria: ICSL Variant Classification Criteria 13 December 2019. Collection method: clinical testing. Allele origin: germline.
Comment: This variant was observed in the ICSL laboratory as part of a predisposition screen in an ostensibly healthy population. It had not been previously curated by ICSL or reported in the Human Gene Mutation Database (HGMD: prior to June 1st, 2018), and was therefore a candidate for classification through an automated scoring system. Utilizing variant allele frequency, disease prevalence and penetrance estimates, and inheritance mode, an automated score was calculated to assess if this variant is too frequent to cause the disease. Based on the score and internal cut-off values, a variant classified as benign is not then subjected to further curation. The score for this variant resulted in a classification of benign for this disease.

Illumina Laboratory Services, Illumina
Classification: Likely benign for Hypogonadotropic hypogonadism 2 with or without anosmia. Last evaluated: 2018-01-12. Review status: criteria provided, single submitter. Criteria: ICSL Variant Classification Criteria 13 December 2019. Collection method: clinical testing. Allele origin: germline.
Comment: This variant was observed in the ICSL laboratory as part of a predisposition screen in an ostensibly healthy population. It had not been previously curated by ICSL or reported in the Human Gene Mutation Database (HGMD: prior to June 1st, 2018), and was therefore a candidate for classification through an automated scoring system. Utilizing variant allele frequency, disease prevalence and penetrance estimates, and inheritance mode, an automated score was calculated to assess if this variant is too frequent to cause the disease. Based on the score and internal cut-off values, a variant classified as likely benign is not then subjected to further curation. The score for this variant resulted in a classification of likely benign for this disease.

Illumina Laboratory Services, Illumina
Classification: Benign for Craniosynostosis. Last evaluated: 2018-01-12. Review status: criteria provided, single submitter. Criteria: ICSL Variant Classification Criteria 13 December 2019. Collection method: clinical testing. Allele origin: germline.
Comment: the same text as in the submission from Illumina Laboratory Services, Illumina above.

Illumina Laboratory Services, Illumina
Classification: Benign for Trigonocephaly 1. Last evaluated: 2018-01-12. Review status: criteria provided, single submitter. Criteria: ICSL Variant Classification Criteria 13 December 2019. Collection method: clinical testing. Allele origin: germline.
Comment: the same text as in the submission from Illumina Laboratory Services, Illumina above.

Clinical Genetics DNA and cytogenetics Diagnostics Lab, Erasmus MC, Erasmus Medical Center
Classification: Likely benign. Review status: no assertion criteria provided. Collection method: clinical testing. Allele origin: germline. Affected: yes. Study: VKGL Data-share Consensus. Not counted in ClinVar's aggregate classification.

Clinical Genetics, Academic Medical Center
Classification: Benign. Review status: no assertion criteria provided. Collection method: clinical testing. Allele origin: germline. Affected: yes. Study: VKGL Data-share Consensus. Not counted in ClinVar's aggregate classification.

Dr. Peter K. Rogan Lab, Western University
No classification provided (evidence only). Condition: Lymphoma. Review status: no classification provided. Collection method: in vitro. Allele origin: not applicable. Functional consequence: retained intron. Not counted in ClinVar's aggregate classification.

Dr. Peter K. Rogan Lab, Western University
No classification provided (evidence only). Condition: Lymphoma. Review status: no classification provided. Collection method: in vitro. Allele origin: not applicable. Functional consequence: retained intron. Not counted in ClinVar's aggregate classification.

Joint Genome Diagnostic Labs from Nijmegen and Maastricht, Radboudumc and MUMC+
Classification: Benign. Review status: no assertion criteria provided. Collection method: clinical testing. Allele origin: germline. Affected: yes. Study: VKGL Data-share Consensus. Not counted in ClinVar's aggregate classification.